The following is an entry in ClinVar:

NM_173348.2(FAM149B1):c.1485T>C (p.His495=)

Genes: DNAJC9 (DnaJ heat shock protein family (Hsp40) member C9; minus strand), FAM149B1 (family with sequence similarity 149 member B1; plus strand). Cytogenetic location: 10q22.2.
Variant type: single nucleotide variant.
Coding change: c.1485T>C on transcript NM_173348.2 (MANE Select); coding-DNA position 1485, T replaced by C.
Protein change: p.His495=; no amino-acid change (histidine 495 retained).
Molecular consequence: synonymous variant.
Genome position (GRCh38, 1-based): chr10:73,235,201, T>C. VCF-style: chr10-73235201-T-C. GRCh37 (hg19) VCF-style: chr10-74994959-T-C.
Identifiers: ClinVar variation 2672402 (VCV002672402.23), dbSNP rs150205970, ClinGen allele CA5552961.

ClinVar aggregate classification (germline): Likely benign (1 of 4 stars; one submission).

Allele frequency attached by ClinVar (database versions not stated): ExAC 0.00023; TOPMed 0.00036; gnomAD 0.00040; 1000 Genomes Project 30x 0.00203; 1000 Genomes Project 0.00220.
gnomAD v4.1: 397 of 1,551,680 alleles (0.026%); highest among the groups gnomAD compares: East Asian, 0.88%; 2 homozygotes.

Submission:

CeGaT Center for Human Genetics Tuebingen
Classification: Likely benign. Last evaluated: 2023-11-01. Review status: criteria provided, single submitter. Criteria: CeGaT Center For Human Genetics Tuebingen Variant Classification Criteria Version 2. Collection method: clinical testing. Allele origin: germline. Affected: yes. Observed: 1 variant allele.
Comment: FAM149B1: BP4, BP7, BS1